The following is an entry in ClinVar:

NM_015488.5(PNKD):c.488T>A (p.Val163Asp)

Genes: CATIP-AS2 (CATIP antisense RNA 2; minus strand), PNKD (PNKD metallo-beta-lactamase domain containing; plus strand). Cytogenetic location: 2q35.
Variant type: single nucleotide variant.
Coding change: c.488T>A on transcript NM_015488.5 (MANE Select); coding-DNA position 488, T replaced by A.
Protein change: p.Val163Asp; replaces valine 163 with aspartic acid.
Molecular consequence: missense variant.
Genome position (GRCh38, 1-based): chr2:218,340,750, T>A. VCF-style: chr2-218340750-T-A. GRCh37 (hg19) VCF-style: chr2-219205473-T-A.
Other names: c.416T>A, p.Val139Asp (NM_022572.5); short protein forms V163D, V139D.
Identifiers: ClinVar variation 3659908 (VCV003659908.2).
Genomic context (GRCh38, chr2:218,340,750, plus strand): 5'-TCCTGCTCCCCAGTCTCCAAACCTCCTCTCTCTCGCAGGCTTCCATTGAAAAGGAAGGGG[T>A]CACCTTGGTCGCCATTCTGTGTACTCACAAGCACTGGTAAGGGGCTCCCGTCTTCCCTGG-3'
Protein context (NP_056303.3, residues 153-173): AVQASIEKEG[Val163Asp]TLVAILCTHK

ClinVar aggregate classification (germline): Uncertain significance (1 of 4 stars; one submission).

Conditions:
Paroxysmal nonkinesigenic dyskinesia. Also called: Paroxysmal non-kinesigenic dyskinesia. Identifiers: Orphanet 98810, MedGen C1869117, MONDO:0700088.

Submission:

Labcorp Genetics (formerly Invitae), Labcorp
Classification: Uncertain significance for Paroxysmal nonkinesigenic dyskinesia. Last evaluated: 2024-07-19. Review status: criteria provided, single submitter. Criteria: Invitae Variant Classification Sherloc (09022015). Collection method: clinical testing. Allele origin: germline.
Comment: This sequence change replaces valine, which is neutral and non-polar, with aspartic acid, which is acidic and polar, at codon 163 of the PNKD protein (p.Val163Asp). This variant is not present in population databases (gnomAD no frequency). This variant has not been reported in the literature in individuals affected with PNKD-related conditions. Advanced modeling of protein sequence and biophysical properties (such as structural, functional, and spatial information, amino acid conservation, physicochemical variation, residue mobility, and thermodynamic stability) performed at Invitae indicates that this missense variant is expected to disrupt PNKD protein function with a positive predictive value of 80%. In summary, the available evidence is currently insufficient to determine the role of this variant in disease. Therefore, it has been classified as a Variant of Uncertain Significance.